The following is an entry in ClinVar:

NM_001114753.3(ENG):c.645C>G (p.His215Gln)

Gene: ENG (endoglin; minus strand). Cytogenetic location: 9q34.11.
Variant type: single nucleotide variant.
Coding change: c.645C>G on transcript NM_001114753.3 (MANE Select); coding-DNA position 645, C replaced by G.
Protein change: p.His215Gln; replaces histidine 215 with glutamine.
Molecular consequence: missense variant.
Genome position (GRCh38, 1-based): chr9:127,825,739, G>C on the plus strand (C>G on the coding strand, the complement: ENG is on the minus strand). VCF-style: chr9-127825739-G-C. GRCh37 (hg19) VCF-style: chr9-130588018-G-C.
Other names: c.645C>G, p.His215Gln (NM_000118.4, NM_001406715.1); c.99C>G, p.His33Gln (NM_001278138.2); short protein forms H215Q, H33Q.
Identifiers: ClinVar variation 4870492 (VCV004870492.2).

ClinVar aggregate classification (germline): Uncertain significance (1 of 4 stars; one submission).

Conditions:
Cardiovascular phenotype. Identifiers: MedGen CN230736.

Submission:

Ambry Genetics
Classification: Uncertain significance for Cardiovascular phenotype. Last evaluated: 2026-09-11. Review status: criteria provided, single submitter. Criteria: Ambry Variant Classification Scheme 2023. Collection method: clinical testing. Allele origin: germline.
Comment: The p.H215Q variant (also known as c.645C>G), located in coding exon 5 of the ENG gene, results from a C to G substitution at nucleotide position 645. The histidine at codon 215 is replaced by glutamine, an amino acid with highly similar properties. This amino acid position is conserved. In addition, this alteration is predicted to be tolerated by in silico analysis. Based on the available evidence, the clinical significance of this variant remains unclear.